The following is an entry in ClinVar:

NM_001005242.3(PKP2):c.517C>T (p.Gln173Ter)

Gene: PKP2 (plakophilin 2; minus strand). Cytogenetic location: 12p11.21.
Variant type: single nucleotide variant.
Coding change: c.517C>T on transcript NM_001005242.3 (MANE Select); coding-DNA position 517, C replaced by T.
Protein change: p.Gln173Ter; replaces glutamine 173 with a stop codon.
Molecular consequence: nonsense.
Genome position (GRCh38, 1-based): chr12:32,878,363, G>A on the plus strand (C>T on the coding strand, the complement: PKP2 is on the minus strand). VCF-style: chr12-32878363-G-A. GRCh37 (hg19) VCF-style: chr12-33031297-G-A.
Other names: c.517C>T, p.Gln173Ter (NM_004572.4); short protein forms Q173*.
Identifiers: ClinVar variation 2735828 (VCV002735828.3), dbSNP rs794729103, ClinGen allele CA012373.
Genomic context (GRCh38, chr12:32,878,363, plus strand): 5'-TCGGTGGCACTAGGAGGGCGGCCCGCCTGCTTTCTTGGTGGTGCAGGGTGTGCCCAGCCT[G>A]GCTTCTCTGGCTGTACTGGTAATCGCTGTGCGTGTAGTGAGCCCTCTCCGGGCTGCTGTC-3'

ClinVar aggregate classification (germline): Pathogenic (1 of 4 stars; one submission).

Conditions:
Arrhythmogenic right ventricular dysplasia 9 (ARVD9). Also called: Arrhythmogenic Right Ventricular Dysplasia/Cardiomyopathy 9; ARRHYTHMOGENIC RIGHT VENTRICULAR DYSPLASIA, FAMILIAL, 9. Identifiers: MedGen C1836906, MONDO:0012180, OMIM 609040.

Submission:

Labcorp Genetics (formerly Invitae), Labcorp
Classification: Pathogenic for Arrhythmogenic right ventricular dysplasia 9. Last evaluated: 2023-07-27. Review status: criteria provided, single submitter. Criteria: Invitae Variant Classification Sherloc (09022015). Collection method: clinical testing. Allele origin: germline.
Comment: For these reasons, this variant has been classified as Pathogenic. This premature translational stop signal has been observed in individual(s) with clinical features of PKP2-related conditions (PMID: 25820315). This variant is not present in population databases (gnomAD no frequency). This sequence change creates a premature translational stop signal (p.Gln173*) in the PKP2 gene. It is expected to result in an absent or disrupted protein product. Loss-of-function variants in PKP2 are known to be pathogenic (PMID: 15489853, 23911551).

Literature cited by the submitters: PubMed 25820315; PubMed 15489853; PubMed 23911551.